The following is an entry in ClinVar:

ClinVar aggregate classification (germline): Uncertain significance (1 of 4 stars; one submission).

gnomAD v4.1: 5 of 1,614,164 alleles (0.00031%); highest among the groups gnomAD compares: Non-Finnish European, 0.00042%; no homozygotes.

Submission:

Labcorp Genetics (formerly Invitae), Labcorp
Classification: Uncertain significance. Last evaluated: 2024-10-06. Review status: criteria provided, single submitter. Criteria: Invitae Variant Classification Sherloc (09022015). Collection method: clinical testing. Allele origin: germline.
Comment: This sequence change replaces isoleucine, which is neutral and non-polar, with methionine, which is neutral and non-polar, at codon 536 of the A2ML1 protein (p.Ile536Met). This variant is not present in population databases (gnomAD no frequency). This variant has not been reported in the literature in individuals affected with A2ML1-related conditions. An algorithm developed to predict the effect of missense changes on protein structure and function outputs the following: PolyPhen-2: "Benign". The methionine amino acid residue is found in multiple mammalian species, which suggests that this missense change does not adversely affect protein function. In summary, the available evidence is currently insufficient to determine the role of this variant in disease. Therefore, it has been classified as a Variant of Uncertain Significance.

NM_144670.6(A2ML1):c.1608C>G (p.Ile536Met)

Gene: A2ML1 (alpha-2-macroglobulin like 1; plus strand). Cytogenetic location: 12p13.31.
Variant type: single nucleotide variant.
Coding change: c.1608C>G on transcript NM_144670.6 (MANE Select); coding-DNA position 1608, C replaced by G.
Protein change: p.Ile536Met; replaces isoleucine 536 with methionine.
Molecular consequence: missense variant.
Genome position (GRCh38, 1-based): chr12:8,846,147, C>G. VCF-style: chr12-8846147-C-G. GRCh37 (hg19) VCF-style: chr12-8998743-C-G.
Other names: c.135C>G, p.Ile45Met (NM_001282424.3); short protein forms I45M, I536M.
Identifiers: ClinVar variation 3664490 (VCV003664490.2).